The following is an entry in ClinVar:

ClinVar aggregate classification (germline): Uncertain significance. Review status: criteria provided, multiple submitters, no conflicts (2 of 4 stars). 2 submissions from 2 submitters: Uncertain significance (2). Last evaluated 2025-11-05.

Allele frequency attached by ClinVar (database versions not stated): gnomAD exomes below 0.00001 and 0.00001; ExAC 0.00001; gnomAD 0.00002; TOPMed 0.00002.
gnomAD v4.1: 9 of 1,608,560 alleles (0.00056%); highest among the groups gnomAD compares: Admixed American, 0.0034%; no homozygotes.

Submissions (2):

Women's Health and Genetics/Laboratory Corporation of America, LabCorp
Classification: Uncertain significance. Last evaluated: 2025-11-05. Review status: criteria provided, single submitter. Criteria: LabCorp Variant Classification Summary - May 2015. Collection method: clinical testing. Allele origin: germline.
Comment: Variant summary: NEDD4L c.29A>G (p.Tyr10Cys) results in a non-conservative amino acid change in the encoded protein sequence. Algorithms developed to predict the effect of missense changes on protein structure and function are either unavailable or do not agree on the potential impact of this missense change. The variant allele was found at a frequency of 4.2e-06 in 240136 control chromosomes. The available data on variant occurrences in the general population are insufficient to allow any conclusion about variant significance. c.29A>G has been observed in an individual from a developmental disorder cohort (Kaplanis_2020). This report does not provide unequivocal conclusions about association of the variant with Periventricular Nodular Heterotopia 7. To our knowledge, no experimental evidence demonstrating an impact on protein function has been reported. The following publication has been ascertained in the context of this evaluation (PMID: 33057194). ClinVar contains an entry for this variant (Variation ID: 962046). Based on the evidence outlined above, the variant was classified as uncertain significance.

Labcorp Genetics (formerly Invitae), Labcorp
Classification: Uncertain significance. Last evaluated: 2025-08-14. Review status: criteria provided, single submitter. Criteria: Invitae Variant Classification Sherloc (09022015). Collection method: clinical testing. Allele origin: germline.
Comment: This sequence change replaces tyrosine, which is neutral and polar, with cysteine, which is neutral and slightly polar, at codon 10 of the NEDD4L protein (p.Tyr10Cys). The frequency data for this variant in the population databases is considered unreliable, as metrics indicate poor data quality at this position in the gnomAD database. This missense change has been observed in individual(s) with NEDD4L-related conditions (PMID: 33057194, 35982159). ClinVar contains an entry for this variant (Variation ID: 962046). An algorithm developed to predict the effect of missense changes on protein structure and function (PolyPhen-2) suggests that this variant is likely to be disruptive. In summary, the available evidence is currently insufficient to determine the role of this variant in disease. Therefore, it has been classified as a Variant of Uncertain Significance.

Literature cited by the submitters: PubMed 33057194 (cited by Women's Health and Genetics/Laboratory Corporation of America, LabCorp and Labcorp Genetics (formerly Invitae), Labcorp); PubMed 35982159 (cited by Labcorp Genetics (formerly Invitae), Labcorp).

NM_001144967.3(NEDD4L):c.29A>G (p.Tyr10Cys)

Genes: NEDD4L (NEDD4 like E3 ubiquitin protein ligase; plus strand), LOC130062568 (ATAC-STARR-seq lymphoblastoid silent region 9483; plus strand). Cytogenetic location: 18q21.31.
Variant type: single nucleotide variant.
Coding change: c.29A>G on transcript NM_001144967.3 (MANE Select); coding-DNA position 29, A replaced by G.
Protein change: p.Tyr10Cys; replaces tyrosine 10 with cysteine.
Molecular consequence: missense variant.
Genome position (GRCh38, 1-based): chr18:58,044,689, A>G. VCF-style: chr18-58044689-A-G. GRCh37 (hg19) VCF-style: chr18-55711921-A-G.
Other names: c.29A>G, p.Tyr10Cys (NM_001243960.2, NM_015277.6); short protein forms Y10C.
Identifiers: ClinVar variation 962046 (VCV000962046.13), dbSNP rs760237657, ClinGen allele CA8975053.
Genomic context (GRCh38, chr18:58,044,689, plus strand): 5'-GCGCCTCAGACCCCGCGCGGGGCGCCGGCTCCATGGCGACCGGGCTCGGGGAGCCGGTCT[A>G]TGGACTTTCCGAAGACGAGGTGAGTGGCACCCCCTTCCTGCTCGGGACTCCCCGGGGAGT-3'
Protein context (NP_001138439.1, residues 1-20): MATGLGEPV[Tyr10Cys]GLSEDEGESR